The following is an entry in ClinVar:

ClinVar aggregate classification (germline): Uncertain significance (1 of 4 stars; one submission).

Conditions:
Xeroderma pigmentosum, group F (XPF). Also called: ERCC4-Related Xeroderma Pigmentosum; XERODERMA PIGMENTOSUM, COMPLEMENTATION GROUP F; XERODERMA PIGMENTOSUM, TYPE F; Xeroderma pigmentosum, type 6; XERODERMA PIGMENTOSUM VI; XP, GROUP F. Identifiers: MedGen C0268140, MONDO:0010215, OMIM 278760.
Cockayne syndrome. Identifiers: Orphanet 191, MedGen C0009207, MONDO:0016006.
Fanconi anemia complementation group Q. Identifiers: Orphanet 84, MedGen C3808988, MONDO:0014108, OMIM 615272.

gnomAD v4.1: 2 of 1,613,748 alleles (0.00012%); highest among the groups gnomAD compares: Non-Finnish European, 0.000085%; no homozygotes.

Submission:

Labcorp Genetics (formerly Invitae), Labcorp
Classification: Uncertain significance for Fanconi anemia complementation group Q; Xeroderma pigmentosum, group F; Cockayne syndrome. Last evaluated: 2025-10-09. Review status: criteria provided, single submitter. Criteria: Invitae Variant Classification Sherloc (09022015). Collection method: clinical testing. Allele origin: germline.
Comment: This sequence change replaces lysine, which is basic and polar, with glutamine, which is neutral and polar, at codon 389 of the ERCC4 protein (p.Lys389Gln). This variant is not present in population databases (gnomAD no frequency). This variant has not been reported in the literature in individuals affected with ERCC4-related conditions. Invitae Evidence Modeling of protein sequence and biophysical properties (such as structural, functional, and spatial information, amino acid conservation, physicochemical variation, residue mobility, and thermodynamic stability) indicates that this missense variant is not expected to disrupt ERCC4 protein function with a negative predictive value of 80%. In summary, the available evidence is currently insufficient to determine the role of this variant in disease. Therefore, it has been classified as a Variant of Uncertain Significance.

NM_005236.3(ERCC4):c.1165A>C (p.Lys389Gln)

Gene: ERCC4 (ERCC excision repair 4, endonuclease catalytic subunit; plus strand). Cytogenetic location: 16p13.12.
Variant type: single nucleotide variant.
Coding change: c.1165A>C on transcript NM_005236.3 (MANE Select); coding-DNA position 1165, A replaced by C.
Protein change: p.Lys389Gln; replaces lysine 389 with glutamine.
Molecular consequence: missense variant.
Genome position (GRCh38, 1-based): chr16:13,934,254, A>C. VCF-style: chr16-13934254-A-C. GRCh37 (hg19) VCF-style: chr16-14028111-A-C.
Other names: short protein forms K389Q.
Identifiers: ClinVar variation 4783468 (VCV004783468.1).